The following is an entry in ClinVar:

ClinVar aggregate classification (germline): Benign/Likely benign. Review status: criteria provided, multiple submitters, no conflicts (2 of 4 stars). 8 submissions from 8 submitters: Benign (3); Likely benign (4). 1 of the submissions does not count toward it. Last evaluated 2026-06-01.

Conditions:
COL6A2-related disorder.
Bethlem myopathy 1A. Also called: MYOPATHY, BENIGN CONGENITAL, WITH CONTRACTURES; Bethlem myopathy 1; Bethlem Muscular Dystrophy. Identifiers: Orphanet 610, MedGen CN029274, MONDO:0024530, OMIM 158810.

Allele frequency attached by ClinVar (database versions not stated): gnomAD exomes 0.00026 and 0.00059; ExAC 0.00115; ESP Exome Variant Server 0.00224; 1000 Genomes Project 30x 0.00265; TOPMed 0.00277; 1000 Genomes Project 0.00280.
gnomAD v4.1: 791 of 1,593,442 alleles (0.05%); highest among the groups gnomAD compares: African/African-American, 0.92%; 7 homozygotes.

Submissions (8):

CeGaT Center for Human Genetics Tuebingen
Classification: Likely benign. Last evaluated: 2026-06-01. Review status: criteria provided, single submitter. Criteria: CeGaT Center For Human Genetics Tuebingen Variant Classification Criteria Version 2. Collection method: clinical testing. Allele origin: germline. Affected: yes. Observed: 1 variant allele.
Comment: COL6A2: BP4, BP7

Labcorp Genetics (formerly Invitae), Labcorp
Classification: Benign for Bethlem myopathy 1A. Last evaluated: 2026-01-27. Review status: criteria provided, single submitter. Criteria: Invitae Variant Classification Sherloc (09022015). Collection method: clinical testing. Allele origin: germline.

Mayo Clinic Laboratories, Mayo Clinic
Classification: Benign. Last evaluated: 2025-02-24. Review status: criteria provided, single submitter. Criteria: ACMG Guidelines, 2015. Collection method: clinical testing. Allele origin: germline. Observed: 2 variant alleles.
Comment: BS1, BS2, BP4, BP7

Blueprint Genetics
Classification: Likely benign. Last evaluated: 2024-11-12. Review status: criteria provided, single submitter. Criteria: ACMG Guidelines, 2015. Collection method: clinical testing. Allele origin: germline.

GeneDx
Classification: Likely benign. Last evaluated: 2021-02-11. Review status: criteria provided, single submitter. Criteria: GeneDx Variant Classification Process June 2021. Collection method: clinical testing. Allele origin: germline. Affected: yes.

Eurofins Ntd Llc (ga)
Classification: Benign. Last evaluated: 2015-12-01. Review status: criteria provided, single submitter. Criteria: EGL Classification Definitions 2015. Collection method: clinical testing. Allele origin: germline. Observed: 3 variant alleles, 3 heterozygotes.

Breakthrough Genomics
Classification: Likely benign. Review status: criteria provided, single submitter. Criteria: ACMG Guidelines, 2015. Collection method: not provided. Allele origin: germline. Inheritance: Autosomal recessive inheritance. Affected: yes.

PreventionGenetics, part of Exact Sciences
Classification: Benign for COL6A2-related condition. Last evaluated: 2020-02-10. Review status: no assertion criteria provided. Collection method: clinical testing. Allele origin: germline. Not counted in ClinVar's aggregate classification.
Comment: This variant is classified as benign based on ACMG/AMP sequence variant interpretation guidelines (Richards et al. 2015 PMID: 25741868, with internal and published modifications).

NM_001849.4(COL6A2):c.2610C>T (p.Asp870=)

Gene: COL6A2 (collagen type VI alpha 2 chain; plus strand). Cytogenetic location: 21q22.3.
Variant type: single nucleotide variant.
Coding change: c.2610C>T on transcript NM_001849.4 (MANE Select); coding-DNA position 2610, C replaced by T.
Protein change: p.Asp870=; no amino-acid change (aspartic acid 870 retained).
Molecular consequence: synonymous variant.
Genome position (GRCh38, 1-based): chr21:46,132,102, C>T. VCF-style: chr21-46132102-C-T. GRCh37 (hg19) VCF-style: chr21-47552016-C-T.
Other names: p.Asp870=.
Identifiers: ClinVar variation 93943 (VCV000093943.24), dbSNP rs116817879, ClinGen allele CA221831.
Genomic context (GRCh38, chr21:46,132,102, plus strand): 5'-CAAGGCCCGGCGCTTCGTGGAGCAGGTGGCGCGGCGGCTGACGCTGGCCCGGAGGGACGA[C>T]GACCCTCTCAACGCACGCGTGGCGCTGCTGCAGTTTGGTGGCCCCGGCGAGCAGCAGGTG-3'
Protein context (NP_001840.3, residues 860-880): ARRLTLARRD[Asp870=]DPLNARVALL